The following is an entry in ClinVar:

NM_001039705.3(TRO):c.1700+7C>T

Gene: TRO (trophinin; plus strand). Cytogenetic location: Xp11.21.
Variant type: single nucleotide variant.
Coding change: c.1700+7C>T on transcript NM_001039705.3 (MANE Select); 7 bases into the intron after coding-DNA position 1700, C replaced by T.
Molecular consequence: intron variant.
Genome position (GRCh38, 1-based): chrX:54,926,632, C>T. VCF-style: chrX-54926632-C-T. GRCh37 (hg19) VCF-style: chrX-54953065-C-T.
Other names: c.509+7C>T (NM_001271184.2, NM_177557.3); c.1700+7C>T (NM_016157.4, NM_177556.3); c.293+7C>T (NM_001271183.2).
Identifiers: ClinVar variation 2660679 (VCV002660679.24), dbSNP rs766242416, ClinGen allele CA10427217.

ClinVar aggregate classification (germline): Likely benign (1 of 4 stars; one submission).

Allele frequency attached by ClinVar (database versions not stated): gnomAD 0.00004; TOPMed 0.00005; ExAC 0.00006; gnomAD exomes 0.00012.

Submission:

CeGaT Center for Human Genetics Tuebingen
Classification: Likely benign. Last evaluated: 2023-03-01. Review status: criteria provided, single submitter. Criteria: CeGaT Center For Human Genetics Tuebingen Variant Classification Criteria Version 2. Collection method: clinical testing. Allele origin: germline. Affected: yes. Observed: 1 variant allele.
Comment: TRO: BP4, BS2